The following is an entry in ClinVar:

ClinVar aggregate classification (germline): Benign. Review status: criteria provided, multiple submitters, no conflicts (2 of 4 stars). 4 submissions from 4 submitters: Benign (4). Last evaluated 2026-09-01.

Conditions:
Developmental and epileptic encephalopathy, 34 (DEE34). Also called: Early infantile epileptic encephalopathy 34; SLC12A5-Related Epilepsy of Infancy with Migrating Focal Seizures. Identifiers: Orphanet 293181, MedGen C4225257, MONDO:0014718, OMIM 616645.

Allele frequency attached by ClinVar (database versions not stated): 1000 Genomes Project 0.00479; 1000 Genomes Project 30x 0.00500; TOPMed 0.00858; ESP Exome Variant Server 0.01053; gnomAD 0.01069 and 0.01094; ExAC 0.01146; gnomAD exomes 0.01175.
gnomAD v4.1: 20,873 of 1,608,856 alleles (1.3%); highest among the groups gnomAD compares: Middle Eastern, 1.9%; 182 homozygotes.

Submissions (4):

CeGaT Center for Human Genetics Tuebingen
Classification: Benign. Last evaluated: 2026-09-01. Review status: criteria provided, single submitter. Criteria: CeGaT Center For Human Genetics Tuebingen Variant Classification Criteria Version 2. Collection method: clinical testing. Allele origin: germline. Affected: yes. Observed: 34 variant alleles.
Comment: SLC12A5: BP4, BP7, BS1, BS2

Labcorp Genetics (formerly Invitae), Labcorp
Classification: Benign for Developmental and epileptic encephalopathy, 34. Last evaluated: 2026-02-02. Review status: criteria provided, single submitter. Criteria: Invitae Variant Classification Sherloc (09022015). Collection method: clinical testing. Allele origin: germline.

Mayo Clinic Laboratories, Mayo Clinic
Classification: Benign. Last evaluated: 2022-10-07. Review status: criteria provided, single submitter. Criteria: ACMG Guidelines, 2015. Collection method: clinical testing. Allele origin: germline. Observed: 7 variant alleles.
Comment: BS1, BS2, BP4, BP7

Breakthrough Genomics
Classification: Benign. Review status: criteria provided, single submitter. Criteria: ACMG Guidelines, 2015. Collection method: not provided. Allele origin: germline. Inheritance: Autosomal recessive inheritance. Affected: yes.

NM_020708.5(SLC12A5):c.2292G>T (p.Gly764=)

Gene: SLC12A5 (solute carrier family 12 member 5; plus strand). Cytogenetic location: 20q13.12.
Variant type: single nucleotide variant.
Coding change: c.2292G>T on transcript NM_020708.5 (MANE Select); coding-DNA position 2292, G replaced by T.
Protein change: p.Gly764=; no amino-acid change (glycine 764 retained).
Molecular consequence: synonymous variant.
Genome position (GRCh38, 1-based): chr20:46,051,785, G>T. VCF-style: chr20-46051785-G-T. GRCh37 (hg19) VCF-style: chr20-44680424-G-T.
Other names: p.Gly764=; c.2361G>T, p.Gly787= (NM_001134771.2).
Identifiers: ClinVar variation 475647 (VCV000475647.28), dbSNP rs79522550, ClinGen allele CA9887566.
Genomic context (GRCh38, chr20:46,051,785, plus strand): 5'-GGTGATCTCCTCCAACTTGCGTGATGGCGTGTCCCATCTGATCCAGTCCGGGGGCCTCGG[G>T]GGGCTGCAGCACAACACTGTGCTTGTTGGCTGGCCCCGCAACTGGCGCCAGAAGGAAGAT-3'
Protein context (NP_065759.1, residues 754-774): VSHLIQSGGL[Gly764=]GLQHNTVLVG